The following is an entry in ClinVar:

NM_001164508.2(NEB):c.5918T>G (p.Met1973Arg)

Gene: NEB (nebulin; minus strand). Cytogenetic location: 2q23.3.
Variant type: single nucleotide variant.
Coding change: c.5918T>G on transcript NM_001164508.2 (MANE Select); coding-DNA position 5918, T replaced by G.
Protein change: p.Met1973Arg; replaces methionine 1973 with arginine.
Molecular consequence: missense variant.
Genome position (GRCh38, 1-based): chr2:151,662,187, A>C on the plus strand (T>G on the coding strand, the complement: NEB is on the minus strand). VCF-style: chr2-151662187-A-C. GRCh37 (hg19) VCF-style: chr2-152518701-A-C.
Other names: c.5918T>G, p.Met1973Arg (NM_001164507.2, NM_001271208.2, NM_004543.5); short protein forms M1973R.
Identifiers: ClinVar variation 3896932 (VCV003896932.1).

ClinVar aggregate classification (germline): Uncertain significance (1 of 4 stars; one submission).

Conditions:
Nemaline myopathy 2 (NEM2). Also called: Nemaline myopathy 2, autosomal recessive. Identifiers: MedGen C1850569, MONDO:0009725, OMIM 256030.

Submission:

Kariminejad - Najmabadi Pathology & Genetics Center
Classification: Uncertain significance for Nemaline myopathy 2. Last evaluated: 2022-01-15. Review status: criteria provided, single submitter. Criteria: ACMG Guidelines, 2015. Collection method: clinical testing. Allele origin: germline. Inheritance: Autosomal recessive inheritance. Affected: yes.
Comment: PM2,BP4